The following is an entry in ClinVar:

NM_020987.5(ANK3):c.13105C>T (p.Arg4369Trp)

Gene: ANK3 (ankyrin 3; minus strand). Cytogenetic location: 10q21.2.
Variant type: single nucleotide variant.
Coding change: c.13105C>T on transcript NM_020987.5 (MANE Select); coding-DNA position 13105, C replaced by T.
Protein change: p.Arg4369Trp; replaces arginine 4369 with tryptophan.
Molecular consequence: missense variant.
Genome position (GRCh38, 1-based): chr10:60,042,720, G>A on the plus strand (C>T on the coding strand, the complement: ANK3 is on the minus strand). VCF-style: chr10-60042720-G-A. GRCh37 (hg19) VCF-style: chr10-61802478-G-A.
Other names: c.2977C>T, p.Arg993Trp (NM_001149.4); c.5557C>T, p.Arg1853Trp (NM_001204403.2); c.5578C>T, p.Arg1860Trp (NM_001204404.2); c.5575C>T, p.Arg1859Trp (NM_001320874.2); short protein forms R1860W, R993W, R1853W, R1859W, R4369W.
Identifiers: ClinVar variation 1970325 (VCV001970325.5), dbSNP rs556782173, ClinGen allele CA5510636.

ClinVar aggregate classification (germline): Uncertain significance (1 of 4 stars; one submission).

Allele frequency attached by ClinVar (database versions not stated): TOPMed 0.00003; ExAC 0.00004; gnomAD 0.00005; 1000 Genomes Project 0.00020; 1000 Genomes Project 30x 0.00031.
gnomAD v4.1: 52 of 1,613,814 alleles (0.0032%); highest among the groups gnomAD compares: Non-Finnish European, 0.0039%; no homozygotes.

Submission:

Labcorp Genetics (formerly Invitae), Labcorp
Classification: Uncertain significance. Last evaluated: 2022-07-17. Review status: criteria provided, single submitter. Criteria: Invitae Variant Classification Sherloc (09022015). Collection method: clinical testing. Allele origin: germline.
Comment: In summary, the available evidence is currently insufficient to determine the role of this variant in disease. Therefore, it has been classified as a Variant of Uncertain Significance. Algorithms developed to predict the effect of missense changes on protein structure and function are either unavailable or do not agree on the potential impact of this missense change (SIFT: "Not Available"; PolyPhen-2: "Probably Damaging"; Align-GVGD: "Not Available"). This variant has not been reported in the literature in individuals affected with ANK3-related conditions. This variant is present in population databases (rs556782173, gnomAD 0.005%). This sequence change replaces arginine, which is basic and polar, with tryptophan, which is neutral and slightly polar, at codon 4369 of the ANK3 protein (p.Arg4369Trp).